The following is an entry in ClinVar:

ClinVar aggregate classification (germline): Benign (1 of 4 stars; one submission).

Allele frequency attached by ClinVar (database versions not stated): TOPMed 0.90272; gnomAD 0.90462 and 0.90576; 1000 Genomes Project 30x 0.93223; 1000 Genomes Project 0.93351.
gnomAD v4.1: 137,770 of 152,178 alleles (91%); highest among the groups gnomAD compares: East Asian, 97%; 62,475 homozygotes.

Submission:

GeneDx
Classification: Benign. Last evaluated: 2018-06-18. Review status: criteria provided, single submitter. Criteria: GeneDx Variant Classification (06012015). Collection method: clinical testing. Allele origin: germline. Affected: yes.
Comment: This variant is considered likely benign or benign based on one or more of the following criteria: it is a conservative change, it occurs at a poorly conserved position in the protein, it is predicted to be benign by multiple in silico algorithms, and/or has population frequency not consistent with disease.

NM_133642.5(LARGE1):c.-82-269A>G

Gene: LARGE1 (LARGE xylosyl- and glucuronyltransferase 1; minus strand). Cytogenetic location: 22q12.3.
Variant type: single nucleotide variant.
Coding change: c.-82-269A>G on transcript NM_133642.5 (MANE Select); 269 bases into the intron before 82 bases upstream of the start codon, A replaced by G.
Molecular consequence: intron variant.
Genome position (GRCh38, 1-based): chr22:33,761,827, T>C on the plus strand (A>G on the coding strand, the complement: LARGE1 is on the minus strand). VCF-style: chr22-33761827-T-C. GRCh37 (hg19) VCF-style: chr22-34157814-T-C.
Other names: c.-82-269A>G (NM_001362953.2, NM_001362949.2, NM_001378627.1 and 7 more transcripts).
Identifiers: ClinVar variation 684050 (VCV000684050.1), dbSNP rs238859, ClinGen allele CA14938998.